The following is an entry in ClinVar:

NM_001023.4(RPS20):c.26C>T (p.Thr9Ile)

Gene: RPS20 (ribosomal protein S20; minus strand). Cytogenetic location: 8q12.1.
Variant type: single nucleotide variant.
Coding change: c.26C>T on transcript NM_001023.4 (MANE Select); coding-DNA position 26, C replaced by T.
Protein change: p.Thr9Ile; replaces threonine 9 with isoleucine.
Molecular consequence: missense variant.
Genome position (GRCh38, 1-based): chr8:56,074,137, G>A on the plus strand (C>T on the coding strand, the complement: RPS20 is on the minus strand). VCF-style: chr8-56074137-G-A. GRCh37 (hg19) VCF-style: chr8-56986696-G-A.
Other names: c.26C>T, p.Thr9Ile (NM_001146227.3); short protein forms T9I.
Identifiers: ClinVar variation 857617 (VCV000857617.13), dbSNP rs1209836521, ClinGen allele CA371284068.

ClinVar aggregate classification (germline): Uncertain significance. Review status: criteria provided, multiple submitters, no conflicts (2 of 4 stars). 3 submissions from 3 submitters: Uncertain significance (3). Last evaluated 2024-02-11.

Conditions:
Hereditary nonpolyposis colon cancer (HNPCC). Also called: Hereditary Nonpolyposis Colorectal Cancer Syndrome; Hereditary nonpolyposis colorectal cancer; Familial nonpolyposis colon cancer. Identifiers: Orphanet 443909, MedGen C1333990, MONDO:0018630. Disease mechanism: loss of function.

Allele frequency attached by ClinVar (database versions not stated): gnomAD exomes below 0.00001; TOPMed 0.00002.

Submissions (3):

Baylor Genetics
Classification: Uncertain significance for Hereditary Nonpolyposis Colorectal Cancer. Last evaluated: 2024-02-11. Review status: criteria provided, single submitter. Criteria: ACMG Guidelines, 2015. Collection method: clinical testing. Allele origin: unknown.

Ambry Genetics
Classification: Uncertain significance. Last evaluated: 2023-07-04. Review status: criteria provided, single submitter. Criteria: Ambry Variant Classification Scheme 2023. Collection method: clinical testing. Allele origin: germline.
Comment: The p.T9I variant (also known as c.26C>T), located in coding exon 2 of the RPS20 gene, results from a C to T substitution at nucleotide position 26. The threonine at codon 9 is replaced by isoleucine, an amino acid with similar properties. This amino acid position is conserved. In addition, this alteration is predicted to be tolerated by in silico analysis. Since supporting evidence is limited at this time, the clinical significance of this alteration remains unclear.

Labcorp Genetics (formerly Invitae), Labcorp
Classification: Uncertain significance. Last evaluated: 2022-03-11. Review status: criteria provided, single submitter. Criteria: Invitae Variant Classification Sherloc (09022015). Collection method: clinical testing. Allele origin: germline.
Comment: Algorithms developed to predict the effect of missense changes on protein structure and function (SIFT, PolyPhen-2, Align-GVGD) all suggest that this variant is likely to be tolerated. In summary, the available evidence is currently insufficient to determine the role of this variant in disease. Therefore, it has been classified as a Variant of Uncertain Significance. ClinVar contains an entry for this variant (Variation ID: 857617). This variant has not been reported in the literature in individuals affected with RPS20-related conditions. This variant is not present in population databases (gnomAD no frequency). This sequence change replaces threonine, which is neutral and polar, with isoleucine, which is neutral and non-polar, at codon 9 of the RPS20 protein (p.Thr9Ile).